The following is an entry in ClinVar:

ClinVar aggregate classification (germline): Uncertain significance (1 of 4 stars; one submission).

Conditions:
Autosomal dominant nonsyndromic hearing loss 1. Also called: KONIGSMARK SYNDROME; DEAFNESS, AUTOSOMAL DOMINANT 1, WITH OR WITHOUT THROMBOCYTOPENIA. Identifiers: Orphanet 90635, MedGen C1852282, MONDO:0007424, OMIM 124900.
Progressive microcephaly-seizures-cortical blindness-developmental delay syndrome. Also called: Seizures, cortical blindness, and microcephaly syndrome. Identifiers: Orphanet 477814, MedGen C5567650, MONDO:0014714, OMIM 616632.

Allele frequency attached by ClinVar (database versions not stated): TOPMed 0.00001; gnomAD 0.00002.

Submission:

Labcorp Genetics (formerly Invitae), Labcorp
Classification: Uncertain significance for Progressive microcephaly-seizures-cortical blindness-developmental delay syndrome; Autosomal dominant nonsyndromic hearing loss 1. Last evaluated: 2025-06-04. Review status: criteria provided, single submitter. Criteria: Invitae Variant Classification Sherloc (09022015). Collection method: clinical testing. Allele origin: germline.
Comment: This sequence change replaces arginine, which is basic and polar, with tryptophan, which is neutral and slightly polar, at codon 157 of the DIAPH1 protein (p.Arg157Trp). This variant is present in population databases (rs534491046, gnomAD 0.004%). This variant has not been reported in the literature in individuals affected with DIAPH1-related conditions. ClinVar contains an entry for this variant (Variation ID: 2922437). Experimental studies and prediction algorithms are not available or were not evaluated, and the functional significance of this variant is currently unknown. In summary, the available evidence is currently insufficient to determine the role of this variant in disease. Therefore, it has been classified as a Variant of Uncertain Significance.

NM_005219.5(DIAPH1):c.469C>T (p.Arg157Trp)

Gene: DIAPH1 (diaphanous related formin 1; minus strand). Cytogenetic location: 5q31.3.
Variant type: single nucleotide variant.
Coding change: c.469C>T on transcript NM_005219.5 (MANE Select); coding-DNA position 469, C replaced by T.
Protein change: p.Arg157Trp; replaces arginine 157 with tryptophan.
Molecular consequence: missense variant.
Genome position (GRCh38, 1-based): chr5:141,583,549, G>A on the plus strand (C>T on the coding strand, the complement: DIAPH1 is on the minus strand). VCF-style: chr5-141583549-G-A. GRCh37 (hg19) VCF-style: chr5-140963116-G-A.
Other names: c.442C>T, p.Arg148Trp (NM_001079812.3); c.469C>T, p.Arg157Trp (NM_001314007.2); short protein forms R148W, R157W.
Identifiers: ClinVar variation 2922437 (VCV002922437.3), dbSNP rs534491046, ClinGen allele CA128442387.